The following is an entry in ClinVar:

NM_014363.6(SACS):c.1094G>A (p.Ser365Asn)

Gene: SACS (sacsin molecular chaperone; minus strand). Cytogenetic location: 13q12.12.
Variant type: single nucleotide variant.
Coding change: c.1094G>A on transcript NM_014363.6 (MANE Select); coding-DNA position 1094, G replaced by A.
Protein change: p.Ser365Asn; replaces serine 365 with asparagine.
Molecular consequence: missense variant.
Genome position (GRCh38, 1-based): chr13:23,355,518, C>T on the plus strand (G>A on the coding strand, the complement: SACS is on the minus strand). VCF-style: chr13-23355518-C-T. GRCh37 (hg19) VCF-style: chr13-23929657-C-T.
Other names: p.Ser365Asn; c.653G>A, p.Ser218Asn (NM_001278055.2); c.1094G>A, p.Ser365Asn (NM_001437336.1); short protein forms S218N, S365N.
Identifiers: ClinVar variation 4541767 (VCV004541767.1).

ClinVar aggregate classification (germline): Uncertain significance (1 of 4 stars; one submission).

gnomAD v4.1: 8 of 1,613,968 alleles (0.0005%); highest among the groups gnomAD compares: African/African-American, 0.0027%; no homozygotes.

Submission:

Mayo Clinic Laboratories, Mayo Clinic
Classification: Uncertain significance. Last evaluated: 2025-03-11. Review status: criteria provided, single submitter. Criteria: ACMG Guidelines, 2015. Collection method: clinical testing. Allele origin: germline. Observed: 1 variant allele.
Comment: PM2_supporting